The following is an entry in ClinVar:

NC_000019.9:g.(?_42373081)_(42373843_?)del

Gene: RPS19 (ribosomal protein S19; plus strand). Cytogenetic location: 19q13.2.
Variant type: Deletion.
Identifiers: ClinVar variation 3248435 (VCV003248435.1).

ClinVar aggregate classification (germline): Pathogenic (1 of 4 stars; one submission).

Conditions:
Diamond-Blackfan anemia. Also called: Blackfan Diamond syndrome; Aregenerative anemia chronic congenital; Red cell aplasia, pure hereditary; Congenital hypoplastic anemia; Aase syndrome. Identifiers: Orphanet 124, MedGen C1260899, MeSH D029503, MONDO:0015253, HP:0004810.

Submission:

Labcorp Genetics (formerly Invitae), Labcorp
Classification: Pathogenic for Diamond-Blackfan anemia. Last evaluated: 2023-04-06. Review status: criteria provided, single submitter. Criteria: Invitae Variant Classification Sherloc (09022015). Collection method: clinical testing. Allele origin: unknown.
Comment: For these reasons, this variant has been classified as Pathogenic. This variant disrupts a region of the RPS19 protein in which other variant(s) (p.Gly136*) have been determined to be pathogenic (PMID: 25946618; Invitae). This suggests that this is a clinically significant region of the protein, and that variants that disrupt it are likely to be disease-causing. This variant has not been reported in the literature in individuals affected with RPS19-related conditions. This variant is a gross deletion of the genomic region encompassing exon(s) 4-5 of the RPS19 gene. While this deletion is not anticipated to lead to nonsense mediated decay, it is expected to disrupt the C-terminus of the protein.

Literature cited by the submitters: PubMed 25946618.